The following is an entry in ClinVar:

ClinVar aggregate classification (germline): Likely benign. Review status: criteria provided, multiple submitters, no conflicts (2 of 4 stars). 3 submissions from 3 submitters: Likely benign (3). Last evaluated 2025-10-31.

Conditions:
C1S-related disorder. Also called: C1S-related condition.

gnomAD v4.1: 26 of 1,614,136 alleles (0.0016%); highest among the groups gnomAD compares: Middle Eastern, 0.017%; no homozygotes.

Submissions (3):

Labcorp Genetics (formerly Invitae), Labcorp
Classification: Likely benign. Last evaluated: 2025-10-31. Review status: criteria provided, single submitter. Criteria: Invitae Variant Classification Sherloc (09022015). Collection method: clinical testing. Allele origin: germline.

PreventionGenetics, part of Exact Sciences
Classification: Likely benign for C1S-related condition. Last evaluated: 2025-04-30. Review status: criteria provided, single submitter. Criteria: ACMG Guidelines, 2015. Collection method: clinical testing. Allele origin: germline.
Comment: This variant is classified as likely benign based on ACMG/AMP sequence variant interpretation guidelines (Richards et al. 2015 PMID: 25741868, with internal and published modifications).

Blueprint Genetics
Classification: Likely benign. Last evaluated: 2024-08-29. Review status: criteria provided, single submitter. Criteria: ACMG Guidelines, 2015. Collection method: clinical testing. Allele origin: germline.

NM_001734.5(C1S):c.2001G>A (p.Arg667=)

Gene: C1S (complement C1s; plus strand). Cytogenetic location: 12p13.31.
Variant type: single nucleotide variant.
Coding change: c.2001G>A on transcript NM_001734.5 (MANE Select); coding-DNA position 2001, G replaced by A.
Protein change: p.Arg667=; no amino-acid change (arginine 667 retained).
Molecular consequence: synonymous variant.
Genome position (GRCh38, 1-based): chr12:7,070,585, G>A. VCF-style: chr12-7070585-G-A. GRCh37 (hg19) VCF-style: chr12-7177889-G-A.
Other names: c.1500G>A, p.Arg500= (NM_001346850.2); c.2001G>A, p.Arg667= (NM_201442.4); c.2001G>A (NM_201442.3).
Identifiers: ClinVar variation 3618470 (VCV003618470.4).